The following is an entry in ClinVar:

ClinVar aggregate classification (germline): Uncertain significance (1 of 4 stars; one submission).

Submission:

Labcorp Genetics (formerly Invitae), Labcorp
Classification: Uncertain significance. Last evaluated: 2023-08-21. Review status: criteria provided, single submitter. Criteria: Invitae Variant Classification Sherloc (09022015). Collection method: clinical testing. Allele origin: unknown.
Comment: In summary, the available evidence is currently insufficient to determine the role of this variant in disease. Therefore, it has been classified as a Variant of Uncertain Significance. Experimental studies and prediction algorithms are not available or were not evaluated, and the functional significance of this variant is currently unknown. This variant has not been reported in the literature in individuals affected with NDUFA4-related conditions. This variant results in a copy number gain of the genomic region encompassing exon(s) 4 of the NDUFA4 gene. This region includes the termination codon of the gene. This copy number gain extends beyond the assayed region for this gene and therefore may encompass additional genes. As the precise location of this event is unknown, it may be in tandem or it may be located elsewhere in the genome.

NC_000007.13:g.(?_10973263)_(10973339_?)dup

Gene: NDUFA4 (NDUFA4 mitochondrial complex associated; minus strand). Cytogenetic location: 7p21.3.
Variant type: Duplication.
Identifiers: ClinVar variation 3245874 (VCV003245874.1).